The following is an entry in ClinVar:

ClinVar aggregate classification (germline): Pathogenic/Likely pathogenic. Review status: criteria provided, multiple submitters, no conflicts (2 of 4 stars). 2 submissions from 2 submitters: Pathogenic (1); Likely pathogenic (1). Last evaluated 2026-06-13.

Conditions:
Autosomal recessive polycystic kidney disease (ARPKD). Also called: AR polycystic kidney disease. Identifiers: Orphanet 731, Orphanet 8378, MedGen C0085548, MeSH D017044, MONDO:0009889.
Polycystic kidney disease 4 (PKD4). Also called: Autosomal Recessive Polycystic Kidney Disease – PKHD1; POLYCYSTIC KIDNEY AND HEPATIC DISEASE 1; POLYCYSTIC KIDNEY DISEASE, INFANTILE, TYPE I; POLYCYSTIC KIDNEY DISEASE 4 WITH OR WITHOUT POLYCYSTIC LIVER DISEASE; PKD3. Identifiers: MedGen C4540575, MONDO:0033004, OMIM 263200.

Submissions (2):

Myriad Genetics, Inc.
Classification: Pathogenic for Polycystic kidney disease 4. Last evaluated: 2026-06-13. Review status: criteria provided, single submitter. Criteria: Myriad Autosomal Dominant, Autosomal Recessive and X-Linked Classification Criteria (2023). Collection method: clinical testing. Allele origin: unknown.
Comment: NM_138694.3(PKHD1):c.4572delT(P1525Lfs*4) is expected to be pathogenic in the context of autosomal recessive polycystic kidney disease, PKHD1-related. This variant is predicted to lead to an abnormal or absent protein product due to the creation of a premature termination codon in PKHD1, a gene where loss-of-function variants are known to be pathogenic. Please note: this variant was assessed in the context of healthy population screening.

Natera, Inc.
Classification: Likely pathogenic for Autosomal recessive polycystic kidney disease. Last evaluated: 2025-10-27. Review status: criteria provided, single submitter. Criteria: Natera Variant Classification Schema (03/2026). Collection method: clinical testing. Allele origin: germline.
Comment: The c.4572del variant in PKHD1 is a frameshift variant predicted to shift the reading frame beginning at codon 1525 and leads to a stop codon 4 codons downstream. This variant is expected to result in nonsense mediated decay, truncation, or a dysfunctional protein product. This variant is rare in the general population with a frequency below the threshold expected for the associated phenotype(s). Given the available evidence, this variant is classified as Likely Pathogenic.

NM_138694.4(PKHD1):c.4572del (p.Pro1525fs)

Genes: PKHD1 (PKHD1 ciliary IPT domain containing fibrocystin/polyductin; minus strand), LOC126859690 (MED14-independent group 3 enhancer GRCh37_chr6:51888848-51890047; plus strand). Cytogenetic location: 6p12.2.
Variant type: Deletion.
Coding change: c.4572del on transcript NM_138694.4 (MANE Select); coding-DNA position 4572, one base deleted (T; older notation c.4572delT).
Protein change: p.Pro1525fs; shifts the reading frame from proline 1525.
Molecular consequence: frameshift variant.
Genome position (GRCh38, 1-based): chr6:52,025,238, A deleted on the plus strand (T on the coding strand, the reverse complement: PKHD1 is on the minus strand); the first of 2 consecutive A bases (chr6:52,025,238-52,025,239); deleting either gives the same sequence. VCF-style (leftmost placement, unchanged base first): chr6-52025237-GA-G. GRCh37 (hg19) VCF-style: chr6-51890035-GA-G.
Other names: c.4572del, p.Pro1525fs (NM_170724.3); short protein forms P1525fs.
Identifiers: ClinVar variation 4816668 (VCV004816668.2).